The following is an entry in ClinVar:

NM_014862.4(ARNT2):c.1211G>A (p.Arg404His)

Gene: ARNT2 (aryl hydrocarbon receptor nuclear translocator 2; plus strand). Cytogenetic location: 15q25.1.
Variant type: single nucleotide variant.
Coding change: c.1211G>A on transcript NM_014862.4 (MANE Select); coding-DNA position 1211, G replaced by A.
Protein change: p.Arg404His; replaces arginine 404 with histidine.
Molecular consequence: missense variant.
Genome position (GRCh38, 1-based): chr15:80,563,134, G>A. VCF-style: chr15-80563134-G-A. GRCh37 (hg19) VCF-style: chr15-80855475-G-A.
Other names: short protein forms R404H.
Identifiers: ClinVar variation 1441569 (VCV001441569.5), dbSNP rs548713623, ClinGen allele CA7691955.
Genomic context (GRCh38, chr15:80,563,134, plus strand): 5'-AAATGTTTTCTCAGGTGGTTAAGCTGAAAGGCCAAGTCCTGTCGGTCATGTATCGATTTC[G>A]CACCAAGAACCGGGAGTGGATGTTGATCCGCACCAGCAGCTTCACATTCCAGAATCCCTA-3'
Protein context (NP_055677.3, residues 394-414): GQVLSVMYRF[Arg404His]TKNREWMLIR

ClinVar aggregate classification (germline): Uncertain significance (1 of 4 stars; one submission).

Allele frequency attached by ClinVar (database versions not stated): gnomAD exomes 0.00003 and 0.00005; gnomAD 0.00006; TOPMed 0.00006; ExAC 0.00007; 1000 Genomes Project 30x 0.00016; 1000 Genomes Project 0.00020.
gnomAD v4.1: 55 of 1,614,064 alleles (0.0034%); highest among the groups gnomAD compares: African/African-American, 0.024%; 1 homozygote.

Submission:

Labcorp Genetics (formerly Invitae), Labcorp
Classification: Uncertain significance. Last evaluated: 2021-12-30. Review status: criteria provided, single submitter. Criteria: Invitae Variant Classification Sherloc (09022015). Collection method: clinical testing. Allele origin: germline.
Comment: This sequence change replaces arginine, which is basic and polar, with histidine, which is basic and polar, at codon 404 of the ARNT2 protein (p.Arg404His). This variant is present in population databases (rs548713623, gnomAD 0.02%). This variant has not been reported in the literature in individuals affected with ARNT2-related conditions. Algorithms developed to predict the effect of missense changes on protein structure and function are either unavailable or do not agree on the potential impact of this missense change (SIFT: "Tolerated"; PolyPhen-2: "Possibly Damaging"; Align-GVGD: "Class C0"). In summary, the available evidence is currently insufficient to determine the role of this variant in disease. Therefore, it has been classified as a Variant of Uncertain Significance.